The following is an entry in ClinVar:

NM_001122752.2(SERPINI1):c.88T>G (p.Ser30Ala)

Gene: SERPINI1 (serpin family I member 1; plus strand). Cytogenetic location: 3q26.1.
Variant type: single nucleotide variant.
Coding change: c.88T>G on transcript NM_001122752.2 (MANE Select); coding-DNA position 88, T replaced by G.
Protein change: p.Ser30Ala; replaces serine 30 with alanine.
Molecular consequence: missense variant.
Genome position (GRCh38, 1-based): chr3:167,789,216, T>G. VCF-style: chr3-167789216-T-G. GRCh37 (hg19) VCF-style: chr3-167507004-T-G.
Other names: c.88T>G, p.Ser30Ala (NM_005025.5); short protein forms S30A.
Identifiers: ClinVar variation 3703567 (VCV003703567.2).

ClinVar aggregate classification (germline): Uncertain significance (1 of 4 stars; one submission).

Conditions:
Familial encephalopathy with neuroserpin inclusion bodies. Also called: ENCEPHALOPATHY, FAMILIAL, WITH COLLINS BODIES. Identifiers: Orphanet 85110, MedGen C1858680, MONDO:0011412, OMIM 604218.

Submission:

Labcorp Genetics (formerly Invitae), Labcorp
Classification: Uncertain significance for Familial encephalopathy with neuroserpin inclusion bodies. Last evaluated: 2024-10-30. Review status: criteria provided, single submitter. Criteria: Invitae Variant Classification Sherloc (09022015). Collection method: clinical testing. Allele origin: germline.
Comment: This sequence change replaces serine, which is neutral and polar, with alanine, which is neutral and non-polar, at codon 30 of the SERPINI1 protein (p.Ser30Ala). This variant is not present in population databases (gnomAD no frequency). This variant has not been reported in the literature in individuals affected with SERPINI1-related conditions. Invitae Evidence Modeling of protein sequence and biophysical properties (such as structural, functional, and spatial information, amino acid conservation, physicochemical variation, residue mobility, and thermodynamic stability) indicates that this missense variant is not expected to disrupt SERPINI1 protein function with a negative predictive value of 80%. In summary, the available evidence is currently insufficient to determine the role of this variant in disease. Therefore, it has been classified as a Variant of Uncertain Significance.